The following is an entry in ClinVar:

NM_001127511.3(APC):c.32C>G (p.Ala11Gly)

Gene: APC (APC regulator of Wnt signaling pathway; plus strand). Cytogenetic location: 5q22.2.
Variant type: single nucleotide variant.
Coding change: c.32C>G on transcript NM_001127511.3; coding-DNA position 32, C replaced by G.
Protein change: p.Ala11Gly; replaces alanine 11 with glycine.
Molecular consequence: missense variant. On other transcripts: 5 prime UTR variant (8), non-coding transcript variant (1), intron variant (5).
Genome position (GRCh38, 1-based): chr5:112,707,749, C>G. VCF-style: chr5-112707749-C-G. GRCh37 (hg19) VCF-style: chr5-112043446-C-G.
Other names: c.-152C>G (NM_001354895.2, NM_001407447.1, NM_001407452.1 and 3 more transcripts); c.32C>G, p.Ala11Gly (NM_001354897.2, NM_001354902.2, NM_001407446.1); c.-1187C>G (NM_001407470.1, NM_001407472.1); c.-19+100C>G (NM_001407448.1, NM_001407450.1, NM_001407457.1 and 1 more transcripts); c.-43+100C>G (NM_001407453.1); short protein forms A11G.
Identifiers: ClinVar variation 1504419 (VCV001504419.8), dbSNP rs1750604701, ClinGen allele CA360611692.

ClinVar aggregate classification (germline): Uncertain significance. Review status: criteria provided, single submitter (1 of 4 stars). 2 submissions from 2 submitters: Uncertain significance (1). 1 of the submissions does not count toward it. Last evaluated 2021-07-10.

Conditions:
APC-related disorder. Also called: APC-related condition.
Familial adenomatous polyposis 1 (FAP1). Also called: FAMILIAL ADENOMATOUS POLYPOSIS 1, ATTENUATED; POLYPOSIS, ADENOMATOUS INTESTINAL. Identifiers: MedGen C2713442, MONDO:0021056, OMIM 175100. Disease mechanism: loss of function.

Allele frequency attached by ClinVar (database versions not stated): TOPMed below 0.00001.

Submissions (2):

Labcorp Genetics (formerly Invitae), Labcorp
Classification: Uncertain significance for Familial adenomatous polyposis 1. Last evaluated: 2021-07-10. Review status: criteria provided, single submitter. Criteria: Invitae Variant Classification Sherloc (09022015). Collection method: clinical testing. Allele origin: germline.
Comment: Experimental studies and prediction algorithms are not available or were not evaluated, and the functional significance of this variant is currently unknown. This variant occurs in a non-coding region of the APC gene. It does not change the encoded amino acid sequence of the APC protein. The frequency data for this variant in the population databases is considered unreliable, as metrics indicate insufficient coverage at this position in the ExAC database. This variant has not been reported in the literature in individuals affected with APC-related conditions. In summary, the available evidence is currently insufficient to determine the role of this variant in disease. Therefore, it has been classified as a Variant of Uncertain Significance.

PreventionGenetics, part of Exact Sciences
Classification: Uncertain significance for APC-related condition. Last evaluated: 2024-06-04. Review status: no assertion criteria provided. Collection method: clinical testing. Allele origin: germline. Not counted in ClinVar's aggregate classification.
Comment: The APC c.32C>G variant is predicted to result in the amino acid substitution p.Ala11Gly. To our knowledge, this variant has not been reported in the literature or in a large population database, indicating this variant is rare. This variant is interpreted as a variant of uncertain significance in ClinVar. At this time, the clinical significance of this variant is uncertain due to the absence of conclusive functional and genetic evidence.